The following is an entry in ClinVar:

ClinVar aggregate classification (germline): Uncertain significance (1 of 4 stars; one submission).

Conditions:
Spongy degeneration of central nervous system. Also called: ACY2 DEFICIENCY; AMINOACYLASE 2 DEFICIENCY; ASP DEFICIENCY; ASPA DEFICIENCY; ASPARTOACYLASE DEFICIENCY; CANAVAN-VAN BOGAERT-BERTRAND DISEASE. Identifiers: Orphanet 141, MedGen C0206307, MONDO:0010079, OMIM 271900.

Allele frequency attached by ClinVar (database versions not stated): gnomAD exomes below 0.00001.
gnomAD v4.1: 1 of 1,614,080 alleles (0.000062%); highest among the groups gnomAD compares: Non-Finnish European, 0.000085%; no homozygotes.

Submission:

Labcorp Genetics (formerly Invitae), Labcorp
Classification: Uncertain significance for Spongy degeneration of central nervous system. Last evaluated: 2023-12-11. Review status: criteria provided, single submitter. Criteria: Invitae Variant Classification Sherloc (09022015). Collection method: clinical testing. Allele origin: germline.
Comment: This sequence change replaces threonine, which is neutral and polar, with isoleucine, which is neutral and non-polar, at codon 20 of the ASPA protein (p.Thr20Ile). This variant is not present in population databases (gnomAD no frequency). This variant has not been reported in the literature in individuals affected with ASPA-related conditions. ClinVar contains an entry for this variant (Variation ID: 2055351). Advanced modeling of protein sequence and biophysical properties (such as structural, functional, and spatial information, amino acid conservation, physicochemical variation, residue mobility, and thermodynamic stability) performed at Invitae indicates that this missense variant is expected to disrupt ASPA protein function with a positive predictive value of 80%. In summary, the available evidence is currently insufficient to determine the role of this variant in disease. Therefore, it has been classified as a Variant of Uncertain Significance.

NM_000049.4(ASPA):c.59C>T (p.Thr20Ile)

Genes: ASPA (aspartoacylase; plus strand), SPATA22 (spermatogenesis associated 22; minus strand). Cytogenetic location: 17p13.2.
Variant type: single nucleotide variant.
Coding change: c.59C>T on transcript NM_000049.4 (MANE Select); coding-DNA position 59, C replaced by T.
Protein change: p.Thr20Ile; replaces threonine 20 with isoleucine.
Molecular consequence: missense variant. On other transcripts: intron variant (2).
Genome position (GRCh38, 1-based): chr17:3,476,218, C>T. VCF-style: chr17-3476218-C-T. GRCh37 (hg19) VCF-style: chr17-3379512-C-T.
Other names: c.59C>T, p.Thr20Ile (NM_001128085.1); c.-73-6820G>A (NM_001321336.2, NM_001321337.2); short protein forms T20I.
Identifiers: ClinVar variation 2055351 (VCV002055351.4), dbSNP rs2543606489, ClinGen allele CA397681125.